The following is an entry in ClinVar:

NM_001110556.2(FLNA):c.4597A>G (p.Ser1533Gly)

Gene: FLNA (filamin A; minus strand). Cytogenetic location: Xq28.
Variant type: single nucleotide variant.
Coding change: c.4597A>G on transcript NM_001110556.2 (MANE Select); coding-DNA position 4597, A replaced by G.
Protein change: p.Ser1533Gly; replaces serine 1533 with glycine.
Molecular consequence: missense variant.
Genome position (GRCh38, 1-based): chrX:154,358,446, T>C on the plus strand (A>G on the coding strand, the complement: FLNA is on the minus strand). VCF-style: chrX-154358446-T-C. GRCh37 (hg19) VCF-style: chrX-153586814-T-C.
Other names: c.4597A>G, p.Ser1533Gly (NM_001456.4); short protein forms S1533G.
Identifiers: ClinVar variation 4784401 (VCV004784401.1).

ClinVar aggregate classification (germline): Uncertain significance (1 of 4 stars; one submission).

Conditions:
Heterotopia, periventricular, X-linked dominant (PVNH1). Also called: PERIVENTRICULAR NODULAR HETEROTOPIA 4; HETEROTOPIA, PERIVENTRICULAR, 1; PERIVENTRICULAR NODULAR HETEROTOPIA 1; X-linked periventricular heterotopia. Identifiers: Orphanet 2149, Orphanet 82004, MedGen C1848213, MONDO:0010233, OMIM 300049.
Oto-palato-digital syndrome, type II (OPD2). Also called: Otopalatodigital Syndrome, Type II; FACIOPALATOOSSEOUS SYNDROME; OPD II SYNDROME; Otopalatodigital Syndrome Type 2 (FLNA-OPD2). Identifiers: Orphanet 669, Orphanet 90652, MedGen C1844696, MONDO:0010571, OMIM 304120.
Melnick-Needles syndrome (MNS). Also called: MELNICK-NEEDLES OSTEODYSPLASTY; OSTEODYSPLASTY OF MELNICK AND NEEDLES; Melnick-Needles Syndrome (FLNA-MNS). Identifiers: Orphanet 2484, MedGen C0025237, MONDO:0010650, OMIM 309350.
Frontometaphyseal dysplasia (FMD1). Identifiers: Orphanet 1826, MedGen C0265293, MONDO:0015942.

Submission:

Labcorp Genetics (formerly Invitae), Labcorp
Classification: Uncertain significance for Oto-palato-digital syndrome, type II; Heterotopia, periventricular, X-linked dominant; Frontometaphyseal dysplasia; Melnick-Needles syndrome. Last evaluated: 2025-07-31. Review status: criteria provided, single submitter. Criteria: Invitae Variant Classification Sherloc (09022015). Collection method: clinical testing. Allele origin: germline.
Comment: This sequence change replaces serine, which is neutral and polar, with glycine, which is neutral and non-polar, at codon 1533 of the FLNA protein (p.Ser1533Gly). This variant is not present in population databases (gnomAD no frequency). This variant has not been reported in the literature in individuals affected with FLNA-related conditions. An algorithm developed to predict the effect of missense changes on protein structure and function (PolyPhen-2) suggests that this variant is likely to be tolerated. Algorithms developed to predict the effect of sequence changes on RNA splicing suggest that this variant may disrupt the consensus splice site. In summary, the available evidence is currently insufficient to determine the role of this variant in disease. Therefore, it has been classified as a Variant of Uncertain Significance.